The following is an entry in ClinVar:

ClinVar aggregate classification (germline): Benign (0 of 4 stars; one submission).

Conditions:
HIVEP3-related disorder. Also called: HIVEP3-related condition.

Allele frequency attached by ClinVar (database versions not stated): ESP Exome Variant Server 0.02359; 1000 Genomes Project 0.02815; 1000 Genomes Project 30x 0.02998.
gnomAD v4.1: 7,698 of 1,526,972 alleles (0.5%); highest among the groups gnomAD compares: African/African-American, 9.3%; 330 homozygotes.

Submission:

PreventionGenetics, part of Exact Sciences
Classification: Benign for HIVEP3-related condition. Last evaluated: 2019-03-23. Review status: no assertion criteria provided. Collection method: clinical testing. Allele origin: germline.
Comment: This variant is classified as benign based on ACMG/AMP sequence variant interpretation guidelines (Richards et al. 2015 PMID: 25741868, with internal and published modifications).

NM_024503.5(HIVEP3):c.7013C>T (p.Pro2338Leu)

Gene: HIVEP3 (HIVEP zinc finger 3; minus strand). Cytogenetic location: 1p34.2.
Variant type: single nucleotide variant.
Coding change: c.7013C>T on transcript NM_024503.5 (MANE Select); coding-DNA position 7013, C replaced by T.
Protein change: p.Pro2338Leu; replaces proline 2338 with leucine.
Molecular consequence: missense variant.
Genome position (GRCh38, 1-based): chr1:41,510,659, G>A on the plus strand (C>T on the coding strand, the complement: HIVEP3 is on the minus strand). VCF-style: chr1-41510659-G-A. GRCh37 (hg19) VCF-style: chr1-41976330-G-A.
Other names: c.7010C>T, p.Pro2337Leu (NM_001127714.3); short protein forms P2337L, P2338L.
Identifiers: ClinVar variation 3037301 (VCV003037301.2), dbSNP rs58930436, ClinGen allele CA797022.
Genomic context (GRCh38, chr1:41,510,659, plus strand): 5'-AGGCAGCCCACAGAGCTGCTGCGGTCCAGCGGCGGGGTGGCAGAAGGCTCGGGGTTGGTC[G>A]GTGCACGCGGGGACTCCAAGCGGGGGCTCCAGGACTGCGCTGCCCGGCGTCCCTGGGGCG-3'
Protein context (NP_078779.2, residues 2328-2348): WSPRLESPRA[Pro2338Leu]TNPEPSATPP